The following is an entry in ClinVar:

NM_005219.5(DIAPH1):c.73G>A (p.Glu25Lys)

Gene: DIAPH1 (diaphanous related formin 1; minus strand). Cytogenetic location: 5q31.3.
Variant type: single nucleotide variant.
Coding change: c.73G>A on transcript NM_005219.5 (MANE Select); coding-DNA position 73, G replaced by A.
Protein change: p.Glu25Lys; replaces glutamic acid 25 with lysine.
Molecular consequence: missense variant.
Genome position (GRCh38, 1-based): chr5:141,618,842, C>T on the plus strand (G>A on the coding strand, the complement: DIAPH1 is on the minus strand). VCF-style: chr5-141618842-C-T. GRCh37 (hg19) VCF-style: chr5-140998409-C-T.
Other names: c.73G>A, p.Glu25Lys (NM_001079812.3, NM_001314007.2); short protein forms E25K.
Identifiers: ClinVar variation 4794447 (VCV004794447.1).

ClinVar aggregate classification (germline): Uncertain significance (1 of 4 stars; one submission).

Conditions:
Autosomal dominant nonsyndromic hearing loss 1. Also called: DEAFNESS, AUTOSOMAL DOMINANT 1, WITH OR WITHOUT THROMBOCYTOPENIA; KONIGSMARK SYNDROME. Identifiers: Orphanet 90635, MedGen C1852282, MONDO:0007424, OMIM 124900.
Progressive microcephaly-seizures-cortical blindness-developmental delay syndrome. Also called: Seizures, cortical blindness, and microcephaly syndrome. Identifiers: Orphanet 477814, MedGen C5567650, MONDO:0014714, OMIM 616632.

Submission:

Labcorp Genetics (formerly Invitae), Labcorp
Classification: Uncertain significance for Progressive microcephaly-seizures-cortical blindness-developmental delay syndrome; Autosomal dominant nonsyndromic hearing loss 1. Last evaluated: 2025-12-27. Review status: criteria provided, single submitter. Criteria: Invitae Variant Classification Sherloc (09022015). Collection method: clinical testing. Allele origin: germline.
Comment: This sequence change replaces glutamic acid, which is acidic and polar, with lysine, which is basic and polar, at codon 25 of the DIAPH1 protein (p.Glu25Lys). This variant is not present in population databases (gnomAD no frequency). This variant has not been reported in the literature in individuals affected with DIAPH1-related conditions. Experimental studies and prediction algorithms are not available or were not evaluated, and the functional significance of this variant is currently unknown. In summary, the available evidence is currently insufficient to determine the role of this variant in disease. Therefore, it has been classified as a Variant of Uncertain Significance.